The following is an entry in ClinVar:

ClinVar aggregate classification (germline): Uncertain significance (1 of 4 stars; one submission).

Conditions:
Congenital myotonia, autosomal dominant form (THD). Also called: THOMSEN DISEASE; Myotonia congenita autosomal dominant. Identifiers: Orphanet 614, MedGen C2936781, MONDO:0008055, OMIM 160800.
Congenital myotonia, autosomal recessive form. Also called: BECKER DISEASE; Becker Generalized Myotonia; myotonia congenita, autosomal recessive. Identifiers: Orphanet 614, MedGen C0751360, MONDO:0009715, OMIM 255700.

gnomAD v4.1: 2 of 1,553,956 alleles (0.00013%); highest among the groups gnomAD compares: South Asian, 0.0012%; no homozygotes.

Submission:

Labcorp Genetics (formerly Invitae), Labcorp
Classification: Uncertain significance for Congenital myotonia, autosomal recessive form; Congenital myotonia, autosomal dominant form. Last evaluated: 2025-02-11. Review status: criteria provided, single submitter. Criteria: Invitae Variant Classification Sherloc (09022015). Collection method: clinical testing. Allele origin: germline.
Comment: This sequence change replaces leucine, which is neutral and non-polar, with glutamine, which is neutral and polar, at codon 671 of the CLCN1 protein (p.Leu671Gln). This variant is not present in population databases (gnomAD no frequency). This variant has not been reported in the literature in individuals affected with CLCN1-related conditions. Invitae Evidence Modeling of protein sequence and biophysical properties (such as structural, functional, and spatial information, amino acid conservation, physicochemical variation, residue mobility, and thermodynamic stability) has been performed for this missense variant. However, the output from this modeling did not meet the statistical confidence thresholds required to predict the impact of this variant on CLCN1 protein function. In summary, the available evidence is currently insufficient to determine the role of this variant in disease. Therefore, it has been classified as a Variant of Uncertain Significance.

NM_000083.3(CLCN1):c.2012T>A (p.Leu671Gln)

Genes: CLCN1 (chloride voltage-gated channel 1; plus strand), LOC123956257 (Sharpr-MPRA regulatory region 4117; plus strand). Cytogenetic location: 7q34.
Variant type: single nucleotide variant.
Coding change: c.2012T>A on transcript NM_000083.3 (MANE Select); coding-DNA position 2012, T replaced by A.
Protein change: p.Leu671Gln; replaces leucine 671 with glutamine.
Molecular consequence: missense variant. On other transcripts: non-coding transcript variant (1).
Genome position (GRCh38, 1-based): chr7:143,345,602, T>A. VCF-style: chr7-143345602-T-A. GRCh37 (hg19) VCF-style: chr7-143042695-T-A.
Other names: short protein forms L671Q.
Identifiers: ClinVar variation 4794723 (VCV004794723.1).